The following is an entry in ClinVar:

NM_001128840.3(CACNA1D):c.4604A>C (p.Asn1535Thr)

Gene: CACNA1D (calcium voltage-gated channel subunit alpha1 D; plus strand). Cytogenetic location: 3p21.1.
Variant type: single nucleotide variant.
Coding change: c.4604A>C on transcript NM_001128840.3 (MANE Select); coding-DNA position 4604, A replaced by C.
Protein change: p.Asn1535Thr; replaces asparagine 1535 with threonine.
Molecular consequence: missense variant.
Genome position (GRCh38, 1-based): chr3:53,780,042, A>C. VCF-style: chr3-53780042-A-C. GRCh37 (hg19) VCF-style: chr3-53814069-A-C.
Other names: c.4664A>C, p.Asn1555Thr (NM_000720.4); c.4559A>C, p.Asn1520Thr (NM_001128839.3); short protein forms N1555T, N1520T, N1535T.
Identifiers: ClinVar variation 4728386 (VCV004728386.1).
Genomic context (GRCh38, chr3:53,780,042, plus strand): 5'-CACTCATTTGCATTCTACAAAGAAACCTTCCTTTCTGTTTACAGAGATTAGTTGCCATGA[A>C]CATGCCTCTCAACAGTGACGGGACAGTCATGTTTAATGCAACCCTGTTTGCTTTGGTTCG-3'
Protein context (NP_001122312.1, residues 1525-1545): RVACKRLVAM[Asn1535Thr]MPLNSDGTVM

ClinVar aggregate classification (germline): Uncertain significance (1 of 4 stars; one submission).

Submission:

Labcorp Genetics (formerly Invitae), Labcorp
Classification: Uncertain significance. Last evaluated: 2025-10-29. Review status: criteria provided, single submitter. Criteria: Invitae Variant Classification Sherloc (09022015). Collection method: clinical testing. Allele origin: germline.
Comment: This sequence change replaces asparagine, which is neutral and polar, with threonine, which is neutral and polar, at codon 1555 of the CACNA1D protein (p.Asn1555Thr). This variant is not present in population databases (gnomAD no frequency). This variant has not been reported in the literature in individuals affected with CACNA1D-related conditions. Invitae Evidence Modeling of protein sequence and biophysical properties (such as structural, functional, and spatial information, amino acid conservation, physicochemical variation, residue mobility, and thermodynamic stability) indicates that this missense variant is expected to disrupt CACNA1D protein function with a positive predictive value of 80%. In summary, the available evidence is currently insufficient to determine the role of this variant in disease. Therefore, it has been classified as a Variant of Uncertain Significance.